The following is an entry in ClinVar:

NM_015474.4(SAMHD1):c.1639G>A (p.Glu547Lys)

Gene: SAMHD1 (SAM and HD domain containing deoxynucleoside triphosphate triphosphohydrolase 1; minus strand). Cytogenetic location: 20q11.23.
Variant type: single nucleotide variant.
Coding change: c.1639G>A on transcript NM_015474.4 (MANE Select); coding-DNA position 1639, G replaced by A.
Protein change: p.Glu547Lys; replaces glutamic acid 547 with lysine.
Molecular consequence: missense variant.
Genome position (GRCh38, 1-based): chr20:36,897,929, C>T on the plus strand (G>A on the coding strand, the complement: SAMHD1 is on the minus strand). VCF-style: chr20-36897929-C-T. GRCh37 (hg19) VCF-style: chr20-35526332-C-T.
Other names: c.1534G>A, p.Glu512Lys (NM_001363729.2); c.1639G>A, p.Glu547Lys (NM_001363733.2); short protein forms E547K, E512K.
Identifiers: ClinVar variation 1489872 (VCV001489872.8), dbSNP rs2148355589, ClinGen allele CA408839551.

ClinVar aggregate classification (germline): Uncertain significance (1 of 4 stars; one submission).

Conditions:
Aicardi-Goutieres syndrome 5. Identifiers: Orphanet 51, MedGen C2749659, MONDO:0013059, OMIM 612952.

Submission:

Labcorp Genetics (formerly Invitae), Labcorp
Classification: Uncertain significance for Aicardi-Goutieres syndrome 5. Last evaluated: 2020-12-01. Review status: criteria provided, single submitter. Criteria: Invitae Variant Classification Sherloc (09022015). Collection method: clinical testing. Allele origin: germline.
Comment: This variant is not present in population databases (ExAC no frequency). In summary, the available evidence is currently insufficient to determine the role of this variant in disease. Therefore, it has been classified as a Variant of Uncertain Significance. Algorithms developed to predict the effect of missense changes on protein structure and function are either unavailable or do not agree on the potential impact of this missense change (SIFT: "Tolerated"; PolyPhen-2: "Possibly Damaging"; Align-GVGD: "Class C0"). This variant has not been reported in the literature in individuals with SAMHD1-related conditions. This sequence change replaces glutamic acid with lysine at codon 547 of the SAMHD1 protein (p.Glu547Lys). The glutamic acid residue is moderately conserved and there is a small physicochemical difference between glutamic acid and lysine.